The following is an entry in ClinVar:

NM_015046.7(SETX):c.8004C>G (p.Asp2668Glu)

Gene: SETX (senataxin; minus strand). Cytogenetic location: 9q34.13.
Variant type: single nucleotide variant.
Coding change: c.8004C>G on transcript NM_015046.7 (MANE Select); coding-DNA position 8004, C replaced by G.
Protein change: p.Asp2668Glu; replaces aspartic acid 2668 with glutamic acid.
Molecular consequence: missense variant.
Genome position (GRCh38, 1-based): chr9:132,264,269, G>C on the plus strand (C>G on the coding strand, the complement: SETX is on the minus strand). VCF-style: chr9-132264269-G-C. GRCh37 (hg19) VCF-style: chr9-135139656-G-C.
Other names: c.8004C>G, p.Asp2668Glu (NM_001351527.2); c.8091C>G, p.Asp2697Glu (NM_001351528.2); short protein forms D2668E, D2697E.
Identifiers: ClinVar variation 3900589 (VCV003900589.1).
Genomic context (GRCh38, chr9:132,264,269, plus strand): 5'-GTGGCTGCTGGCCCATGTCACTGGGCTTTCCTATAAAAGCTTTCTTTTCTTGGAACTGCT[G>C]TCCTCCTGCTCCAGTGTCCTCTTGTCCCACCTAGAGTTCCTCCTGGTGTGATGGGTCTCG-3'
Protein context (NP_055861.3, residues 2658-2677): RWDKRTLEQE[Asp2668Glu]SSSKKRKLL

ClinVar aggregate classification (germline): Uncertain significance (1 of 4 stars; one submission).

Submission:

GeneDx
Classification: Uncertain significance. Last evaluated: 2024-11-20. Review status: criteria provided, single submitter. Criteria: GeneDx Variant Classification Process June 2021. Collection method: clinical testing. Allele origin: germline. Affected: yes.
Comment: Not observed at significant frequency in large population cohorts (gnomAD); In silico analysis indicates that this missense variant does not alter protein structure/function; Has not been previously published as pathogenic or benign to our knowledge